The following is an entry in ClinVar:

ClinVar aggregate classification (germline): Pathogenic/Likely pathogenic. Review status: criteria provided, multiple submitters, no conflicts (2 of 4 stars). 7 submissions from 7 submitters: Pathogenic (4); Likely pathogenic (3). Last evaluated 2025-12-24.

Conditions:
Hereditary cancer-predisposing syndrome. Also called: Neoplastic Syndromes, Hereditary; Hereditary Cancer Syndrome; Tumor predisposition; Hereditary neoplastic syndrome. Identifiers: Orphanet 140162, MedGen C0027672, MeSH D009386, MONDO:0015356.
Familial adenomatous polyposis 4 (FAP4). Also called: MSH3-related attenuated familial adenomatous polyposis. Identifiers: Orphanet 480536, MedGen C4310719, MONDO:0044300, OMIM 617100.
Endometrial carcinoma. Also called: Endometrial carcinoma, somatic. Identifiers: MedGen C0476089, MONDO:0002447, OMIM 608089, HP:0012114.

Submissions (7):

Labcorp Genetics (formerly Invitae), Labcorp
Classification: Pathogenic. Last evaluated: 2025-12-24. Review status: criteria provided, single submitter. Criteria: Invitae Variant Classification Sherloc (09022015). Collection method: clinical testing. Allele origin: germline.
Comment: This sequence change creates a premature translational stop signal (p.Asn385Glnfs*19) in the MSH3 gene. It is expected to result in an absent or disrupted protein product. Loss-of-function variants in MSH3 are known to be pathogenic (PMID: 27476653, 37402566). The frequency data for this variant in the population databases is considered unreliable, as metrics indicate poor data quality at this position in the gnomAD database. This variant has not been reported in the literature in individuals affected with MSH3-related conditions. ClinVar contains an entry for this variant (Variation ID: 643621). RNA analysis performed to evaluate the impact of this premature translational stop signal on mRNA splicing indicates it does not significantly alter splicing (internal data). For these reasons, this variant has been classified as Pathogenic.

Quest Diagnostics Nichols Institute San Juan Capistrano
Classification: Likely pathogenic. Last evaluated: 2024-10-09. Review status: criteria provided, single submitter. Criteria: Quest Diagnostics criteria. Collection method: clinical testing. Allele origin: unknown.
Comment: The MSH3 c.1148dup (p.Asn385Glnfs*19) variant alters the translational reading frame of the MSH3 mRNA and is predicted to cause the premature termination of MSH3 protein synthesis. This variant has not been reported in individuals with MSH3-related conditions in the published literature. The frequency of this variant in the general population, 0.000004 (1/248208 chromosomes (Genome Aggregation Database)), is uninformative in the assessment of its pathogenicity. Based on the available information, this variant is classified as likely pathogenic.

Fulgent Genetics
Classification: Likely pathogenic for Endometrial carcinoma; Familial adenomatous polyposis 4. Last evaluated: 2024-03-26. Review status: criteria provided, single submitter. Criteria: ACMG Guidelines, 2015. Collection method: clinical testing. Allele origin: germline.

Baylor Genetics
Classification: Likely pathogenic for Endometrial carcinoma. Last evaluated: 2024-03-17. Review status: criteria provided, single submitter. Criteria: ACMG Guidelines, 2015. Collection method: clinical testing. Allele origin: unknown.

CeGaT Center for Human Genetics Tuebingen
Classification: Pathogenic. Last evaluated: 2023-11-01. Review status: criteria provided, single submitter. Criteria: CeGaT Center For Human Genetics Tuebingen Variant Classification Criteria Version 2. Collection method: clinical testing. Allele origin: germline. Affected: yes. Observed: 1 variant allele.
Comment: MSH3: PVS1, PM2

Ambry Genetics
Classification: Pathogenic for Hereditary cancer-predisposing syndrome. Last evaluated: 2023-10-17. Review status: criteria provided, single submitter. Criteria: Ambry Variant Classification Scheme 2023. Collection method: clinical testing. Allele origin: germline.
Comment: The c.1148dupA pathogenic mutation, located in coding exon 7 of the MSH3 gene, results from a duplication of A at nucleotide position 1148, causing a translational frameshift with a predicted alternate stop codon (p.N385Qfs*19). This alteration is expected to result in loss of function by premature protein truncation or nonsense-mediated mRNA decay. As such, this alteration is interpreted as a disease-causing mutation.

Myriad Genetics, Inc.
Classification: Pathogenic for Familial adenomatous polyposis 4. Last evaluated: 2023-08-29. Review status: criteria provided, single submitter. Criteria: Myriad Autosomal Dominant, Autosomal Recessive and X-Linked Classification Criteria (2023). Collection method: clinical testing. Allele origin: unknown.
Comment: This variant is considered pathogenic. This variant creates a frameshift predicted to result in premature protein truncation.

Literature cited by the submitters: PubMed 27476653 (cited by Labcorp Genetics (formerly Invitae), Labcorp); PubMed 37402566 (cited by Labcorp Genetics (formerly Invitae), Labcorp); PubMed 38770632 (cited by Quest Diagnostics Nichols Institute San Juan Capistrano).

NM_002439.5(MSH3):c.1148dup (p.Asn385fs)

Gene: MSH3 (mutS homolog 3; plus strand). Cytogenetic location: 5q14.1.
Variant type: Duplication.
Coding change: c.1148dup on transcript NM_002439.5 (MANE Select); coding-DNA position 1148, one base duplicated (A; older notation c.1148dupA).
Protein change: p.Asn385fs; shifts the reading frame from asparagine 385.
Molecular consequence: frameshift variant.
Genome position (GRCh38, 1-based): chr5:80,675,103, A duplicated; the last of 8 consecutive A bases (chr5:80,675,096-80,675,103); duplicating any one gives the same sequence. VCF-style (leftmost placement, unchanged base first): chr5-80675095-C-CA. GRCh37 (hg19) VCF-style: chr5-79970914-C-CA.
Other names: c.1148dupA (NM_002439.4); short protein forms N385fs.
Identifiers: ClinVar variation 643621 (VCV000643621.37), dbSNP rs587776701, ClinGen allele CA445159870.